The following is an entry in ClinVar:

NM_006514.4(SCN10A):c.4796C>T (p.Ala1599Val)

Gene: SCN10A (sodium voltage-gated channel alpha subunit 10; minus strand). Cytogenetic location: 3p22.2.
Variant type: single nucleotide variant.
Coding change: c.4796C>T on transcript NM_006514.4 (MANE Select); coding-DNA position 4796, C replaced by T.
Protein change: p.Ala1599Val; replaces alanine 1599 with valine.
Molecular consequence: missense variant.
Genome position (GRCh38, 1-based): chr3:38,698,424, G>A on the plus strand (C>T on the coding strand, the complement: SCN10A is on the minus strand). VCF-style: chr3-38698424-G-A. GRCh37 (hg19) VCF-style: chr3-38739915-G-A.
Other names: c.4793C>T, p.Ala1598Val (NM_001293306.2); c.4502C>T, p.Ala1501Val (NM_001293307.2); c.4796C>T (NM_006514.2); short protein forms A1599V, A1501V, A1598V.
Identifiers: ClinVar variation 2181828 (VCV002181828.5), dbSNP rs2470555066, ClinGen allele CA352155612.

ClinVar aggregate classification (germline): Uncertain significance. Review status: criteria provided, multiple submitters, no conflicts (2 of 4 stars). 2 submissions from 2 submitters: Uncertain significance (2). Last evaluated 2024-01-11.

Conditions:
Cardiovascular phenotype. Identifiers: MedGen CN230736.
Brugada syndrome. Also called: Sudden unexplained nocturnal death syndrome; Sudden unexpected nocturnal death syndrome; Sudden Unexplained Death Syndrome; Sudden Unexplained Nocturnal Death Syndrome (SUNDS). Identifiers: Orphanet 130, MedGen C1142166, MONDO:0015263.

Allele frequency attached by ClinVar (database versions not stated): gnomAD exomes below 0.00001.
gnomAD v4.1: 2 of 1,614,192 alleles (0.00012%); highest among the groups gnomAD compares: Non-Finnish European, 0.00017%; no homozygotes.

Submissions (2):

Ambry Genetics
Classification: Uncertain significance for Cardiovascular phenotype. Last evaluated: 2024-01-11. Review status: criteria provided, single submitter. Criteria: Ambry Variant Classification Scheme 2023. Collection method: clinical testing. Allele origin: germline.
Comment: The p.A1599V variant (also known as c.4796C>T), located in coding exon 27 of the SCN10A gene, results from a C to T substitution at nucleotide position 4796. The alanine at codon 1599 is replaced by valine, an amino acid with similar properties. This amino acid position is conserved. In addition, this alteration is predicted to be deleterious by in silico analysis. Since supporting evidence is limited at this time, the clinical significance of this alteration remains unclear.

Labcorp Genetics (formerly Invitae), Labcorp
Classification: Uncertain significance for Brugada syndrome. Last evaluated: 2022-03-19. Review status: criteria provided, single submitter. Criteria: Invitae Variant Classification Sherloc (09022015). Collection method: clinical testing. Allele origin: germline.
Comment: In summary, the available evidence is currently insufficient to determine the role of this variant in disease. Therefore, it has been classified as a Variant of Uncertain Significance. Advanced modeling of protein sequence and biophysical properties (such as structural, functional, and spatial information, amino acid conservation, physicochemical variation, residue mobility, and thermodynamic stability) performed at Invitae indicates that this missense variant is expected to disrupt SCN10A protein function. This variant has not been reported in the literature in individuals affected with SCN10A-related conditions. This variant is not present in population databases (gnomAD no frequency). This sequence change replaces alanine, which is neutral and non-polar, with valine, which is neutral and non-polar, at codon 1599 of the SCN10A protein (p.Ala1599Val).